The following is an entry in ClinVar:

NM_000343.4(SLC5A1):c.1938C>T (p.Asn646=)

Gene: SLC5A1 (solute carrier family 5 member 1; plus strand). Cytogenetic location: 22q12.3.
Variant type: single nucleotide variant.
Coding change: c.1938C>T on transcript NM_000343.4 (MANE Select); coding-DNA position 1938, C replaced by T.
Protein change: p.Asn646=; no amino-acid change (asparagine 646 retained).
Molecular consequence: synonymous variant.
Genome position (GRCh38, 1-based): chr22:32,110,156, C>T. VCF-style: chr22-32110156-C-T. GRCh37 (hg19) VCF-style: chr22-32506143-C-T.
Other names: p.Asn646=; c.1557C>T, p.Asn519= (NM_001256314.2).
Identifiers: ClinVar variation 341267 (VCV000341267.18), dbSNP rs33954397, ClinGen allele CA10198365.

ClinVar aggregate classification (germline): Benign. Review status: criteria provided, multiple submitters, no conflicts (2 of 4 stars). 5 submissions from 5 submitters: Benign (5). Last evaluated 2026-02-03.

Conditions:
Congenital glucose-galactose malabsorption (GGM). Also called: MONOSACCHARIDE MALABSORPTION; DIARRHEA 16. Identifiers: Orphanet 35710, MedGen C0268186, MONDO:0011731, OMIM 606824.

Allele frequency attached by ClinVar (database versions not stated): 1000 Genomes Project 0.02216; 1000 Genomes Project 30x 0.02420; TOPMed 0.04279; gnomAD 0.04537 and 0.04560; gnomAD exomes 0.04855 and 0.06827; ExAC 0.05009; ESP Exome Variant Server 0.05098.
gnomAD v4.1: 106,026 of 1,613,880 alleles (6.6%); highest among the groups gnomAD compares: Non-Finnish European, 7.7%; 3,950 homozygotes.

Submissions (5):

Labcorp Genetics (formerly Invitae), Labcorp
Classification: Benign for Congenital glucose-galactose malabsorption. Last evaluated: 2026-02-03. Review status: criteria provided, single submitter. Criteria: Invitae Variant Classification Sherloc (09022015). Collection method: clinical testing. Allele origin: germline.

Mayo Clinic Laboratories, Mayo Clinic
Classification: Benign. Last evaluated: 2023-10-20. Review status: criteria provided, single submitter. Criteria: ACMG Guidelines, 2015. Collection method: clinical testing. Allele origin: germline. Observed: 17 variant alleles.

Illumina Laboratory Services, Illumina
Classification: Benign for Congenital glucose-galactose malabsorption. Last evaluated: 2018-01-13. Review status: criteria provided, single submitter. Criteria: ICSL Variant Classification Criteria 13 December 2019. Collection method: clinical testing. Allele origin: germline.
Comment: This variant was observed in the ICSL laboratory as part of a predisposition screen in an ostensibly healthy population. It had not been previously curated by ICSL or reported in the Human Gene Mutation Database (HGMD: prior to June 1st, 2018), and was therefore a candidate for classification through an automated scoring system. Utilizing variant allele frequency, disease prevalence and penetrance estimates, and inheritance mode, an automated score was calculated to assess if this variant is too frequent to cause the disease. Based on the score and internal cut-off values, a variant classified as benign is not then subjected to further curation. The score for this variant resulted in a classification of benign for this disease.

Laboratory for Molecular Medicine, Mass General Brigham Personalized Medicine
Classification: Benign. Last evaluated: 2016-03-28. Review status: criteria provided, single submitter. Criteria: LMM Criteria. Collection method: clinical testing. Allele origin: germline.
Comment: Variant identified in a genome or exome case(s) and assessed due to predicted null impact of the variant or pathogenic assertions in the literature or databases. Disclaimer: This variant has not undergone full assessment. The following are preliminary notes: MAF

Breakthrough Genomics
Classification: Benign. Review status: criteria provided, single submitter. Criteria: ACMG Guidelines, 2015. Collection method: not provided. Allele origin: germline. Inheritance: Autosomal recessive inheritance. Affected: yes.